The following is an entry in ClinVar:

ClinVar aggregate classification (germline): Uncertain significance (1 of 4 stars; one submission).

Conditions:
Inborn genetic diseases. Identifiers: MedGen C0950123, MeSH D030342.

Allele frequency attached by ClinVar (database versions not stated): ExAC 0.00002.
gnomAD v4.1: 3 of 1,576,878 alleles (0.00019%); highest among the groups gnomAD compares: South Asian, 0.0024%; no homozygotes.

Submission:

Ambry Genetics
Classification: Uncertain significance for Inborn genetic diseases. Last evaluated: 2021-01-12. Review status: criteria provided, single submitter. Criteria: Ambry Variant Classification Scheme 2023. Collection method: clinical testing. Allele origin: germline.
Comment: The c.2958C>A (p.H986Q) alteration is located in exon 20 (coding exon 19) of the CEP152 gene. This alteration results from a C to A substitution at nucleotide position 2958, causing the histidine (H) at amino acid position 986 to be replaced by a glutamine (Q). The p.H986Q alteration is predicted to be tolerated by in silico analysis. Based on insufficient or conflicting evidence, the clinical significance of this alteration remains unclear.

NM_001194998.2(CEP152):c.2958C>A (p.His986Gln)

Gene: CEP152 (centrosomal protein 152; minus strand). Cytogenetic location: 15q21.1.
Variant type: single nucleotide variant.
Coding change: c.2958C>A on transcript NM_001194998.2 (MANE Select); coding-DNA position 2958, C replaced by A.
Protein change: p.His986Gln; replaces histidine 986 with glutamine.
Molecular consequence: missense variant.
Genome position (GRCh38, 1-based): chr15:48,756,290, G>T on the plus strand (C>A on the coding strand, the complement: CEP152 is on the minus strand). VCF-style: chr15-48756290-G-T. GRCh37 (hg19) VCF-style: chr15-49048487-G-T.
Other names: c.2958C>A, p.His986Gln (NM_014985.4); short protein forms H986Q.
Identifiers: ClinVar variation 2228699 (VCV002228699.2), dbSNP rs770176594, ClinGen allele CA7548440.
Genomic context (GRCh38, chr15:48,756,290, plus strand): 5'-AGTTTTTTGTTTCATAAAGTCTTCTTTAGCTGCCGCAAGCACCTCATTAATTTTATTTCG[G>T]TGATCATCTAAAAATTGCCGGTAATCTTGCTCATTTTGTTCTTGGATTCTGTGGATTTCT-3'
Protein context (NP_001181927.1, residues 976-996): EQDYRQFLDD[His986Gln]RNKINEVLAA